The following is an entry in ClinVar:

ClinVar aggregate classification (germline): Uncertain significance. Review status: criteria provided, multiple submitters, no conflicts (2 of 4 stars). 2 submissions from 2 submitters: Uncertain significance (2). Last evaluated 2025-01-05.

Conditions:
Hereditary cancer-predisposing syndrome. Also called: Tumor predisposition; Hereditary neoplastic syndrome; Neoplastic Syndromes, Hereditary; Hereditary Cancer Syndrome. Identifiers: Orphanet 140162, MedGen C0027672, MeSH D009386, MONDO:0015356.
Gorlin syndrome. Also called: Nevoid Basal Cell Carcinoma Syndrome; Basal cell nevus syndrome. Identifiers: Orphanet 377, MedGen C0004779, MONDO:0007187.

Allele frequency attached by ClinVar (database versions not stated): gnomAD exomes below 0.00001.
gnomAD v4.1: 5 of 1,614,216 alleles (0.00031%); highest among the groups gnomAD compares: Admixed American, 0.0017%; no homozygotes.

Submissions (2):

Ambry Genetics
Classification: Uncertain significance for Hereditary cancer-predisposing syndrome. Last evaluated: 2025-01-05. Review status: criteria provided, single submitter. Criteria: Ambry Variant Classification Scheme 2023. Collection method: clinical testing. Allele origin: germline.
Comment: The p.I780V variant (also known as c.2338A>G), located in coding exon 15 of the PTCH1 gene, results from an A to G substitution at nucleotide position 2338. The isoleucine at codon 780 is replaced by valine, an amino acid with highly similar properties. This amino acid position is conserved. In addition, the in silico prediction for this alteration is inconclusive. Based on the available evidence, the clinical significance of this variant remains unclear.

Labcorp Genetics (formerly Invitae), Labcorp
Classification: Uncertain significance for Gorlin syndrome. Last evaluated: 2019-09-11. Review status: criteria provided, single submitter. Criteria: Invitae Variant Classification Sherloc (09022015). Collection method: clinical testing. Allele origin: germline.
Comment: This sequence change replaces isoleucine with valine at codon 780 of the PTCH1 protein (p.Ile780Val). The isoleucine residue is moderately conserved and there is a small physicochemical difference between isoleucine and valine. This variant is not present in population databases (ExAC no frequency). This variant has not been reported in the literature in individuals with PTCH1-related conditions. Algorithms developed to predict the effect of missense changes on protein structure and function (SIFT, PolyPhen-2, Align-GVGD) all suggest that this variant is likely to be tolerated, but these predictions have not been confirmed by published functional studies and their clinical significance is uncertain. In summary, the available evidence is currently insufficient to determine the role of this variant in disease. Therefore, it has been classified as a Variant of Uncertain Significance.

NM_000264.5(PTCH1):c.2338A>G (p.Ile780Val)

Genes: PTCH1 (patched 1; minus strand), LOC100507346 (uncharacterized LOC100507346; plus strand). Cytogenetic location: 9q22.32.
Variant type: single nucleotide variant.
Coding change: c.2338A>G on transcript NM_000264.5 (MANE Select); coding-DNA position 2338, A replaced by G.
Protein change: p.Ile780Val; replaces isoleucine 780 with valine.
Molecular consequence: missense variant. On other transcripts: non-coding transcript variant (1).
Genome position (GRCh38, 1-based): chr9:95,467,338, T>C on the plus strand (A>G on the coding strand, the complement: PTCH1 is on the minus strand). VCF-style: chr9-95467338-T-C. GRCh37 (hg19) VCF-style: chr9-98229620-T-C.
Other names: c.2140A>G, p.Ile714Val (NM_001083602.3); c.2335A>G, p.Ile779Val (NM_001083603.3); c.1885A>G, p.Ile629Val (NM_001083604.3, NM_001083605.3, NM_001083606.3 and 1 more transcripts); c.2182A>G, p.Ile728Val (NM_001354918.2); short protein forms I779V, I629V, I714V, I780V, I728V.
Identifiers: ClinVar variation 935471 (VCV000935471.11), dbSNP rs1388496324, ClinGen allele CA374114558.